The following is an entry in ClinVar:

ClinVar aggregate classification (germline): Likely pathogenic. Review status: criteria provided, multiple submitters, no conflicts (2 of 4 stars). 3 submissions from 3 submitters: Likely pathogenic (3). Last evaluated 2023-08-22.

Conditions:
GAMT-related disorder. Also called: GAMT-related condition.
Deficiency of guanidinoacetate methyltransferase (CCDS2). Also called: CEREBRAL CREATINE DEFICIENCY SYNDROME 2; Guanidinoacetate Methyltransferase (GAMT) Deficiency; GAMT DEFICIENCY. Identifiers: Orphanet 382, MedGen C0574080, MONDO:0012999, OMIM 612736.
Cerebral creatine deficiency syndrome. Also called: Creatine deficiency syndromes. Identifiers: Orphanet 79172, MedGen C5244016, MONDO:0000456.

Submissions (3):

Baylor Genetics
Classification: Likely pathogenic for Deficiency of guanidinoacetate methyltransferase. Last evaluated: 2023-08-22. Review status: criteria provided, single submitter. Criteria: ACMG Guidelines, 2015. Collection method: clinical testing. Allele origin: unknown.

Blueprint Genetics
Classification: Likely pathogenic for GAMT-related disorders. Last evaluated: 2020-12-21. Review status: criteria provided, single submitter. Criteria: ACMG Guidelines, 2015. Collection method: clinical testing. Allele origin: germline. Affected: yes. Observed: 1 variant allele.

Labcorp Genetics (formerly Invitae), Labcorp
Classification: Likely pathogenic for Cerebral creatine deficiency syndrome. Last evaluated: 2020-11-11. Review status: criteria provided, single submitter. Criteria: Invitae Variant Classification Sherloc (09022015). Collection method: clinical testing. Allele origin: germline.
Comment: Donor and acceptor splice site variants typically lead to a loss of protein function (PMID: 16199547), and loss-of-function variants in GAMT are known to be pathogenic (PMID: 15108290). This sequence change affects a donor splice site in intron 2 of the GAMT gene. It is expected to disrupt RNA splicing and likely results in an absent or disrupted protein product. This variant is not present in population databases (ExAC no frequency). This variant has not been reported in the literature in individuals with GAMT-related conditions. Algorithms developed to predict the effect of sequence changes on RNA splicing suggest that this variant may disrupt the consensus splice site, but this prediction has not been confirmed by published transcriptional studies. In summary, the currently available evidence indicates that the variant is pathogenic, but additional data are needed to prove that conclusively. Therefore, this variant has been classified as Likely Pathogenic.

Literature cited by the submitters: PubMed 16199547 (cited by Labcorp Genetics (formerly Invitae), Labcorp); PubMed 15108290 (cited by Labcorp Genetics (formerly Invitae), Labcorp).

NM_000156.6(GAMT):c.327+1G>T

Gene: GAMT (guanidinoacetate N-methyltransferase; minus strand). Cytogenetic location: 19p13.3.
Variant type: single nucleotide variant.
Coding change: c.327+1G>T on transcript NM_000156.6 (MANE Select); the canonical splice donor site of the intron after coding-DNA position 327, G replaced by T.
Molecular consequence: splice donor variant.
Genome position (GRCh38, 1-based): chr19:1,399,792, C>A on the plus strand (G>T on the coding strand, the complement: GAMT is on the minus strand). VCF-style: chr19-1399792-C-A. GRCh37 (hg19) VCF-style: chr19-1399791-C-A.
Other names: c.327+1G>T (NM_138924.3).
Identifiers: ClinVar variation 1066693 (VCV001066693.9), dbSNP rs2144638033, ClinGen allele CA402996005.